The following is an entry in ClinVar:

NM_138694.4(PKHD1):c.10226A>T (p.Asp3409Val)

Gene: PKHD1 (PKHD1 ciliary IPT domain containing fibrocystin/polyductin; minus strand). Cytogenetic location: 6p12.3.
Variant type: single nucleotide variant.
Coding change: c.10226A>T on transcript NM_138694.4 (MANE Select); coding-DNA position 10226, A replaced by T.
Protein change: p.Asp3409Val; replaces aspartic acid 3409 with valine.
Molecular consequence: missense variant.
Genome position (GRCh38, 1-based): chr6:51,659,900, T>A on the plus strand (A>T on the coding strand, the complement: PKHD1 is on the minus strand). VCF-style: chr6-51659900-T-A. GRCh37 (hg19) VCF-style: chr6-51524698-T-A.
Other names: short protein forms D3409V.
Identifiers: ClinVar variation 3251570 (VCV003251570.2), dbSNP rs754808508.

ClinVar aggregate classification (germline): Likely pathogenic. Review status: criteria provided, multiple submitters, no conflicts (2 of 4 stars). 2 submissions from 2 submitters: Likely pathogenic (2). Last evaluated 2024-04-29.

Conditions:
Polycystic kidney disease 4 (PKD4). Also called: POLYCYSTIC KIDNEY DISEASE 4 WITH OR WITHOUT POLYCYSTIC LIVER DISEASE; PKD3; POLYCYSTIC KIDNEY AND HEPATIC DISEASE 1; POLYCYSTIC KIDNEY DISEASE, INFANTILE, TYPE I; Autosomal Recessive Polycystic Kidney Disease – PKHD1. Identifiers: MedGen C4540575, MONDO:0033004, OMIM 263200.
Autosomal recessive polycystic kidney disease (ARPKD). Also called: AR polycystic kidney disease. Identifiers: Orphanet 731, Orphanet 8378, MedGen C0085548, MeSH D017044, MONDO:0009889.

Submissions (2):

Fulgent Genetics
Classification: Likely pathogenic for Polycystic kidney disease 4. Last evaluated: 2024-04-29. Review status: criteria provided, single submitter. Criteria: ACMG Guidelines, 2015. Collection method: clinical testing. Allele origin: germline.

Women's Health and Genetics/Laboratory Corporation of America, LabCorp
Classification: Likely pathogenic for Autosomal recessive polycystic kidney disease. Last evaluated: 2024-04-29. Review status: criteria provided, single submitter. Criteria: LabCorp Variant Classification Summary - May 2015. Collection method: clinical testing. Allele origin: germline.
Comment: Variant summary: PKHD1 c.10226A>T (p.Asp3409Val) results in a non-conservative amino acid change in the encoded protein sequence. Five of five in-silico tools predict a damaging effect of the variant on protein function. The variant was absent in 250420 control chromosomes. c.10226A>T has been reported in the literature in individuals affected with Polycystic Kidney And Hepatic Disease (Losekoot_2005, Burgmaier_2021, Ajiri_2022). These data indicate that the variant is likely to be associated with disease. To our knowledge, no experimental evidence demonstrating an impact on protein function has been reported. The following publications have been ascertained in the context of this evaluation (PMID: 35812281, 16133180, 33940108). No submitters have cited clinical-significance assessments for this variant to ClinVar. Based on the evidence outlined above, the variant was classified as likely pathogenic.

Literature cited by the submitters: PubMed 16133180 (cited by Women's Health and Genetics/Laboratory Corporation of America, LabCorp); PubMed 33940108 (cited by Women's Health and Genetics/Laboratory Corporation of America, LabCorp); PubMed 35812281 (cited by Women's Health and Genetics/Laboratory Corporation of America, LabCorp).